The following is an entry in ClinVar:

NM_016284.5(CNOT1):c.3621C>A (p.Asn1207Lys)

Gene: CNOT1 (CCR4-NOT transcription complex subunit 1; minus strand). Cytogenetic location: 16q21.
Variant type: single nucleotide variant.
Coding change: c.3621C>A on transcript NM_016284.5 (MANE Select); coding-DNA position 3621, C replaced by A.
Protein change: p.Asn1207Lys; replaces asparagine 1207 with lysine.
Molecular consequence: missense variant. On other transcripts: non-coding transcript variant (1).
Genome position (GRCh38, 1-based): chr16:58,547,584, G>T on the plus strand (C>A on the coding strand, the complement: CNOT1 is on the minus strand). VCF-style: chr16-58547584-G-T. GRCh37 (hg19) VCF-style: chr16-58581488-G-T.
Other names: c.3606C>A, p.Asn1202Lys (NM_001265612.2); c.3621C>A, p.Asn1207Lys (NM_206999.3); short protein forms N1202K, N1207K.
Identifiers: ClinVar variation 5020366 (VCV005020366.1).

ClinVar aggregate classification (germline): Uncertain significance (1 of 4 stars; one submission).

gnomAD v4.1: 1 of 1,613,174 alleles (0.000062%); no homozygotes.

Submission:

Dasa
Classification: Uncertain significance. Last evaluated: 2026-06-15. Review status: criteria provided, single submitter. Criteria: DASA Assertion Criteria. Collection method: clinical testing. Allele origin: germline.
Comment: NM_016284.5(CNOT1):c.3621C>A (p.Asn1207Lys) is a missense variant that results in the substitution of asparagine with lysine. This variant is rare in population databases. The currently available literature and clinical evidence are not sufficient to establish a definitive association between this variant and the reported condition. Therefore, this variant is classified as a variant of uncertain significance.